The following is an entry in ClinVar:

ClinVar aggregate classification (germline): Uncertain significance. Review status: criteria provided, multiple submitters, no conflicts (2 of 4 stars). 2 submissions from 2 submitters: Uncertain significance (2). Last evaluated 2025-01-08.

Conditions:
Developmental and epileptic encephalopathy, 30 (DEE30). Also called: Epileptic encephalopathy, early infantile, 30. Identifiers: MedGen C4225360, MONDO:0014595, OMIM 616341.

Allele frequency attached by ClinVar (database versions not stated): gnomAD exomes 0.00001.

Submissions (2):

Labcorp Genetics (formerly Invitae), Labcorp
Classification: Uncertain significance for Developmental and epileptic encephalopathy, 30. Last evaluated: 2025-01-08. Review status: criteria provided, single submitter. Criteria: Invitae Variant Classification Sherloc (09022015). Collection method: clinical testing. Allele origin: germline.
Comment: This sequence change replaces alanine, which is neutral and non-polar, with threonine, which is neutral and polar, at codon 486 of the SIK1 protein (p.Ala486Thr). The frequency data for this variant in the population databases is considered unreliable, as metrics indicate poor data quality at this position in the gnomAD database. This variant has not been reported in the literature in individuals affected with SIK1-related conditions. ClinVar contains an entry for this variant (Variation ID: 1516158). Invitae Evidence Modeling of protein sequence and biophysical properties (such as structural, functional, and spatial information, amino acid conservation, physicochemical variation, residue mobility, and thermodynamic stability) indicates that this missense variant is not expected to disrupt SIK1 protein function with a negative predictive value of 95%. In summary, the available evidence is currently insufficient to determine the role of this variant in disease. Therefore, it has been classified as a Variant of Uncertain Significance.

Revvity Omics, Revvity
Classification: Uncertain significance for Developmental and epileptic encephalopathy, 30. Last evaluated: 2022-03-08. Review status: criteria provided, single submitter. Criteria: ACMG Guidelines, 2015. Collection method: clinical testing. Allele origin: germline.

NM_173354.5(SIK1):c.1456G>A (p.Ala486Thr)

Gene: SIK1 (salt inducible kinase 1; minus strand). Cytogenetic location: 21q22.3.
Variant type: single nucleotide variant.
Coding change: c.1456G>A on transcript NM_173354.5 (MANE Select); coding-DNA position 1456, G replaced by A.
Protein change: p.Ala486Thr; replaces alanine 486 with threonine.
Molecular consequence: missense variant.
Genome position (GRCh38, 1-based): chr21:43,419,027, C>T on the plus strand (G>A on the coding strand, the complement: SIK1 is on the minus strand). VCF-style: chr21-43419027-C-T. GRCh37 (hg19) VCF-style: chr21-44838907-C-T.
Other names: short protein forms A486T.
Identifiers: ClinVar variation 1516158 (VCV001516158.10), dbSNP rs1225191975, ClinGen allele CA410607974.
Genomic context (GRCh38, chr21:43,419,027, plus strand): 5'-CGTCGACCGTAAGCCTATCCACCGGTGTCCTCCTGGGCCCCCGGGGACACTTACATGGCG[C>T]GGTGAGTGGGGAGAGGCGGGTGGAGACCTCGGCCAGGGTGTGCCTCCGGCCCGTGCTGCT-3'
Protein context (NP_775490.2, residues 476-496): EVSTRLSPLT[Ala486Thr]PCIVVSPSTT